The following is an entry in ClinVar:

ClinVar aggregate classification (germline): Pathogenic/Likely pathogenic. Review status: criteria provided, multiple submitters, no conflicts (2 of 4 stars). 4 submissions from 4 submitters: Pathogenic (3); Likely pathogenic (1). Last evaluated 2024-10-08.

Conditions:
Hereditary cancer-predisposing syndrome. Also called: Tumor predisposition; Neoplastic Syndromes, Hereditary; Hereditary Cancer Syndrome; Hereditary neoplastic syndrome. Identifiers: Orphanet 140162, MedGen C0027672, MeSH D009386, MONDO:0015356.
Cardiovascular phenotype. Identifiers: MedGen CN230736.
Neurofibromatosis, type 1 (NF1). Also called: Neurofibromatosis, type I; NEUROFIBROMATOSIS, TYPE I, SOMATIC; Peripheral type neurofibromatosis; VON RECKLINGHAUSEN DISEASE. Identifiers: Orphanet 636, MedGen C0027831, MONDO:0018975, OMIM 162200. Disease mechanism: loss of function.

Submissions (4):

Institute of Human Genetics, University of Leipzig Medical Center
Classification: Pathogenic for Neurofibromatosis, type 1. Last evaluated: 2024-10-08. Review status: criteria provided, single submitter. Criteria: ACMG Guidelines, 2015. Collection method: clinical testing. Allele origin: unknown. Inheritance: Autosomal dominant inheritance. Affected: yes.
Comment: Criteria applied: PVS1_STR,PS1,PS4_MOD,PM2,PP4

Genome-Nilou Lab
Classification: Likely pathogenic for Neurofibromatosis, type 1. Last evaluated: 2022-03-15. Review status: criteria provided, single submitter. Criteria: ACMG Guidelines, 2015. Collection method: clinical testing. Allele origin: germline. Affected: no.

Labcorp Genetics (formerly Invitae), Labcorp
Classification: Pathogenic for Neurofibromatosis, type 1. Last evaluated: 2022-01-22. Review status: criteria provided, single submitter. Criteria: Invitae Variant Classification Sherloc (09022015). Collection method: clinical testing. Allele origin: germline.
Comment: For these reasons, this variant has been classified as Pathogenic. This variant disrupts the c.4269G nucleotide in the NF1 gene. Other variant(s) that disrupt this nucleotide have been determined to be pathogenic (PMID: 15146469, 31595648). This suggests that this nucleotide is clinically significant, and that variants that disrupt this position are likely to be disease-causing. Variants that disrupt the consensus splice site are a relatively common cause of aberrant splicing (PMID: 17576681, 9536098). Algorithms developed to predict the effect of sequence changes on RNA splicing suggest that this variant may disrupt the consensus splice site. Algorithms developed to predict the effect of missense changes on protein structure and function are either unavailable or do not agree on the potential impact of this missense change (SIFT: "Tolerated"; PolyPhen-2: "Probably Damaging"; Align-GVGD: "Class C0"). ClinVar contains an entry for this variant (Variation ID: 404485). This variant has been observed in individual(s) with neurofibromatosis type 1 (PMID: 18546366, 30530636, 31595648; Invitae). This variant is not present in population databases (gnomAD no frequency). This sequence change affects codon 1423 of the NF1 mRNA. It is a 'silent' change, meaning that it does not change the encoded amino acid sequence of the NF1 protein. This variant also falls at the last nucleotide of exon 31, which is part of the consensus splice site for this exon.

Ambry Genetics
Classification: Pathogenic for Cardiovascular phenotype; Hereditary cancer-predisposing syndrome. Last evaluated: 2021-07-10. Review status: criteria provided, single submitter. Criteria: Ambry Variant Classification Scheme 2023. Collection method: clinical testing. Allele origin: germline.
Comment: The c.4269G>C pathogenic mutation (also known as p.K1423N), located in coding exon 31 of the NF1 gene, results from a G to C substitution at nucleotide position 4269. The amino acid change results in lysine to asparagine at codon 1423, an amino acid with similar properties. However, this change occurs in the last base pair of coding exon 31, which makes it likely to have some effect on normal mRNA splicing. This mutation has been detected in multiple individuals with a clinical diagnosis or suspicion of neurofibromatosis type 1 (De Luca A et al. Hum. Mutat., 2003 Feb;21:171-2; Pros E et al. Hum Mutat, 2008 Sep;29:E173-93; Frayling IM et al. J Med Genet, 2019 04;56:209-219; Koczkowska M et al. Hum Mutat, 2020 01;41:299-315). In silico splice site analysis predicts that this alteration will weaken the native splice donor site. RNA studies have demonstrated that this alteration results in skipping of exon 31 (Pros E et al. Hum Mutat, 2008 Sep;29:E173-93; Koczkowska M et al. Hum Mutat, 2020 01;41:299-315; Ambry internal data). In addition, this variant is considered to be rare based on population cohorts in the Genome Aggregation Database (gnomAD). Based on the supporting evidence, this alteration is interpreted as a disease-causing mutation.

Literature cited by the submitters: PubMed 15146469 (cited by Labcorp Genetics (formerly Invitae), Labcorp); PubMed 31595648 (cited by Labcorp Genetics (formerly Invitae), Labcorp); PubMed 17576681 (cited by Labcorp Genetics (formerly Invitae), Labcorp); PubMed 9536098 (cited by Labcorp Genetics (formerly Invitae), Labcorp); PubMed 18546366 (cited by Labcorp Genetics (formerly Invitae), Labcorp); PubMed 30530636 (cited by Labcorp Genetics (formerly Invitae), Labcorp).

NM_001042492.3(NF1):c.4332G>C (p.Lys1444Asn)

Gene: NF1 (neurofibromin 1; plus strand). Cytogenetic location: 17q11.2.
Variant type: single nucleotide variant.
Coding change: c.4332G>C on transcript NM_001042492.3 (MANE Select); coding-DNA position 4332, G replaced by C.
Protein change: p.Lys1444Asn; replaces lysine 1444 with asparagine.
Molecular consequence: missense variant.
Genome position (GRCh38, 1-based): chr17:31,258,502, G>C. VCF-style: chr17-31258502-G-C. GRCh37 (hg19) VCF-style: chr17-29585520-G-C.
Other names: c.4269G>C, p.Lys1423Asn (NM_000267.4); short protein forms K1444N, K1423N.
Identifiers: ClinVar variation 404485 (VCV000404485.14), dbSNP rs199474750, ClinGen allele CA16615213.